The following is an entry in ClinVar:

ClinVar aggregate classification (germline): Uncertain significance (1 of 4 stars; one submission).

gnomAD v4.1: 2 of 1,606,964 alleles (0.00012%); highest among the groups gnomAD compares: Non-Finnish European, 0.00017%; no homozygotes.

Submission:

GeneDx
Classification: Uncertain significance. Last evaluated: 2024-09-03. Review status: criteria provided, single submitter. Criteria: GeneDx Variant Classification Process June 2021. Collection method: clinical testing. Allele origin: germline. Affected: yes.
Comment: Not observed at significant frequency in large population cohorts (gnomAD); In silico analysis supports that this missense variant has a deleterious effect on protein structure/function; Has not been previously published as pathogenic or benign to our knowledge

NM_018993.4(RIN2):c.1283G>T (p.Arg428Leu)

Gene: RIN2 (Ras and Rab interactor 2; plus strand). Cytogenetic location: 20p11.23.
Variant type: single nucleotide variant.
Coding change: c.1283G>T on transcript NM_018993.4 (MANE Select); coding-DNA position 1283, G replaced by T.
Protein change: p.Arg428Leu; replaces arginine 428 with leucine.
Molecular consequence: missense variant.
Genome position (GRCh38, 1-based): chr20:19,975,308, G>T. VCF-style: chr20-19975308-G-T. GRCh37 (hg19) VCF-style: chr20-19955952-G-T.
Other names: c.1430G>T, p.Arg477Leu (NM_001242581.2); c.665G>T, p.Arg222Leu (NM_001378238.1); short protein forms R222L, R428L, R477L.
Identifiers: ClinVar variation 3766012 (VCV003766012.1).